The following is an entry in ClinVar:

ClinVar aggregate classification (germline): Benign/Likely benign. Review status: criteria provided, multiple submitters, no conflicts (2 of 4 stars). 2 submissions from 2 submitters: Benign (1); Likely benign (1). Last evaluated 2026-05-21.

Conditions:
Hereditary cancer-predisposing syndrome. Also called: Neoplastic Syndromes, Hereditary; Tumor predisposition; Hereditary Cancer Syndrome; Hereditary neoplastic syndrome. Identifiers: Orphanet 140162, MedGen C0027672, MeSH D009386, MONDO:0015356.
Familial cancer of breast. Also called: BREAST CANCER, FAMILIAL; Hereditary breast cancer; hereditary breast carcinoma. Identifiers: Orphanet 227535, MedGen C0346153, MONDO:0016419, OMIM 114480. Disease mechanism: loss of function.

Submissions (2):

Ambry Genetics
Classification: Likely benign for Hereditary cancer-predisposing syndrome. Last evaluated: 2026-05-21. Review status: criteria provided, single submitter. Criteria: Ambry Variant Classification Scheme 2023. Collection method: clinical testing. Allele origin: germline.

Myriad Genetics, Inc.
Classification: Benign for Familial cancer of breast. Last evaluated: 2025-01-17. Review status: criteria provided, single submitter. Criteria: Myriad Autosomal Dominant, Autosomal Recessive and X-Linked Classification Criteria (2023). Collection method: clinical testing. Allele origin: unknown.
Comment: This variant is considered benign. This variant is a silent/synonymous amino acid change and it is not expected to impact splicing.

NM_024675.4(PALB2):c.2769T>C (p.Val923=)

Gene: PALB2 (partner and localizer of BRCA2; minus strand). Cytogenetic location: 16p12.2.
Variant type: single nucleotide variant.
Coding change: c.2769T>C on transcript NM_024675.4 (MANE Select); coding-DNA position 2769, T replaced by C.
Protein change: p.Val923=; no amino-acid change (valine 923 retained).
Molecular consequence: synonymous variant.
Genome position (GRCh38, 1-based): chr16:23,624,074, A>G on the plus strand (T>C on the coding strand, the complement: PALB2 is on the minus strand). VCF-style: chr16-23624074-A-G. GRCh37 (hg19) VCF-style: chr16-23635395-A-G.
Other names: c.2709T>C, p.Val903= (NM_001407296.1); c.2697T>C, p.Val899= (NM_001407297.1); c.2607T>C, p.Val869= (NM_001407298.1, NM_001407302.1); c.2769T>C, p.Val923= (NM_001407299.1, NM_001407300.1, NM_001407301.1); c.1884T>C, p.Val628= (NM_001407304.1, NM_001407305.1, NM_001407306.1 and 4 more transcripts); c.1722T>C, p.Val574= (NM_001407307.1); c.981T>C, p.Val327= (NM_001407312.1, NM_001407313.1); c.303T>C, p.Val101= (NM_001407314.1).
Identifiers: ClinVar variation 3904489 (VCV003904489.2).
Genomic context (GRCh38, chr16:23,624,074, plus strand): 5'-CTCTCTGATTTCCAAATTTCCCAAAGCTACACACACGAGATTATACACATCAGGCACTGG[A>G]ACTATCTGTAATACTGGAACCTAAATAAAACAAAGCAGCCAAAAATTATGCTTGGTTGTT-3'
Protein context (NP_078951.2, residues 913-933): HFAEVPVLQI[Val923=]PVPDVYNLVC